The following is an entry in ClinVar:

NM_014956.5(CEP164):c.4212G>C (p.Ala1404=)

Gene: CEP164 (centrosomal protein 164; plus strand). Cytogenetic location: 11q23.3.
Variant type: single nucleotide variant.
Coding change: c.4212G>C on transcript NM_014956.5 (MANE Select); coding-DNA position 4212, G replaced by C.
Protein change: p.Ala1404=; no amino-acid change (alanine 1404 retained).
Molecular consequence: synonymous variant.
Genome position (GRCh38, 1-based): chr11:117,411,843, G>C. VCF-style: chr11-117411843-G-C. GRCh37 (hg19) VCF-style: chr11-117282559-G-C.
Other names: c.4212G>C (NM_014956.4); c.4197G>C, p.Ala1399= (NM_001271933.2).
Identifiers: ClinVar variation 1138317 (VCV001138317.11), dbSNP rs369998799, ClinGen allele CA6295759.
Genomic context (GRCh38, chr11:117,411,843, plus strand): 5'-CTTCCTTCCCAGTGAGCAGCTCCGGCTCCTACAGCACTCCCATTCGCAAGTCCCTGAGGC[G>C]GGCAGCACCACCTTTCAGGGCATAATTGAGGCCAACCGGAGGTGGCTGGAACGTGTCAAG-3'
Protein context (NP_055771.4, residues 1394-1414): LQHSHSQVPE[Ala1404=]GSTTFQGIIE

ClinVar aggregate classification (germline): Likely benign. Review status: criteria provided, multiple submitters, no conflicts (2 of 4 stars). 3 submissions from 3 submitters: Likely benign (3). Last evaluated 2025-12-26.

Conditions:
Nephronophthisis 15 (NPHP15). Identifiers: Orphanet 3156, MedGen C3541853, MONDO:0013917, OMIM 614845.
CEP164-related disorder. Also called: CEP164-related condition.

Allele frequency attached by ClinVar (database versions not stated): ESP Exome Variant Server 0.00008.
gnomAD v4.1: 68 of 1,614,002 alleles (0.0042%); highest among the groups gnomAD compares: Non-Finnish European, 0.0056%; no homozygotes.

Submissions (3):

Labcorp Genetics (formerly Invitae), Labcorp
Classification: Likely benign for Nephronophthisis 15. Last evaluated: 2025-12-26. Review status: criteria provided, single submitter. Criteria: Invitae Variant Classification Sherloc (09022015). Collection method: clinical testing. Allele origin: germline.

PreventionGenetics, part of Exact Sciences
Classification: Likely benign for CEP164-related condition. Last evaluated: 2025-09-03. Review status: criteria provided, single submitter. Criteria: ACMG Guidelines, 2015. Collection method: clinical testing. Allele origin: germline.
Comment: This variant is classified as likely benign based on ACMG/AMP sequence variant interpretation guidelines (Richards et al. 2015 PMID: 25741868, with internal and published modifications).

Blueprint Genetics
Classification: Likely benign. Last evaluated: 2022-06-20. Review status: criteria provided, single submitter. Criteria: ACMG Guidelines, 2015. Collection method: clinical testing. Allele origin: germline.